The following is an entry in ClinVar:

ClinVar aggregate classification (germline): Conflicting classifications of pathogenicity. Review status: criteria provided, conflicting classifications (1 of 4 stars). 5 submissions from 5 submitters: Uncertain significance (3); Likely benign (2). Last evaluated 2025-07-30.

Conditions:
Hereditary cancer-predisposing syndrome. Also called: Tumor predisposition; Hereditary Cancer Syndrome; Hereditary neoplastic syndrome; Neoplastic Syndromes, Hereditary. Identifiers: Orphanet 140162, MedGen C0027672, MeSH D009386, MONDO:0015356.
Ataxia-telangiectasia syndrome (AT). Also called: Ataxia telangiectasia (A-T); LOUIS-BAR SYNDROME; Cerebello-oculocutaneous telangiectasia; Immunodeficiency with ataxia telangiectasia; ATAXIA-TELANGIECTASIA, COMPLEMENTATION GROUP A; ATAXIA-TELANGIECTASIA, FRESNO VARIANT. Identifiers: Orphanet 100, MedGen C0004135, MONDO:0008840, OMIM 208900.

Allele frequency attached by ClinVar (database versions not stated): gnomAD exomes 0.00001.
gnomAD v4.1: 8 of 1,613,614 alleles (0.0005%); highest among the groups gnomAD compares: East Asian, 0.0067%; no homozygotes.

Submissions (5):

Labcorp Genetics (formerly Invitae), Labcorp
Classification: Uncertain significance for Ataxia-telangiectasia syndrome. Last evaluated: 2025-07-30. Review status: criteria provided, single submitter. Criteria: Invitae Variant Classification Sherloc (09022015). Collection method: clinical testing. Allele origin: germline.
Comment: This sequence change falls in intron 17 of the ATM gene. It does not directly change the encoded amino acid sequence of the ATM protein. It affects a nucleotide within the consensus splice site. This variant is present in population databases (no rsID available, gnomAD 0.01%). This variant has not been reported in the literature in individuals affected with ATM-related conditions. ClinVar contains an entry for this variant (Variation ID: 233657). Variants that disrupt the consensus splice site are a relatively common cause of aberrant splicing (PMID: 17576681, 9536098). Studies have shown that this variant is associated with inconclusive levels of altered splicing (internal data). In summary, the available evidence is currently insufficient to determine the role of this variant in disease. Therefore, it has been classified as a Variant of Uncertain Significance.

Color Diagnostics, LLC DBA Color Health
Classification: Uncertain significance for Hereditary cancer-predisposing syndrome. Last evaluated: 2023-09-01. Review status: criteria provided, single submitter. Criteria: ACMG Guidelines, 2015. Collection method: clinical testing. Allele origin: germline.
Comment: This variant causes an A>G nucleotide substitution at the +3 position of intron 17 of the ATM gene. Splice site prediction tools suggest that this variant may not impact RNA splicing. To our knowledge, RNA studies have not been reported for this variant. This variant has not been reported in individuals affected with ATM-related disorders in the literature. This variant has been identified in 2/251342 chromosomes in the general population by the Genome Aggregation Database (gnomAD). The available evidence is insufficient to determine the role of this variant in disease conclusively. Therefore, this variant is classified as a Variant of Uncertain Significance.

Institute for Biomarker Research, Medical Diagnostic Laboratories, L.L.C.
Classification: Uncertain significance for Hereditary cancer-predisposing syndrome. Last evaluated: 2022-12-08. Review status: criteria provided, single submitter. Criteria: ACMG Guidelines, 2015. Collection method: clinical testing. Allele origin: germline.

Ambry Genetics
Classification: Likely benign for Hereditary cancer-predisposing syndrome. Last evaluated: 2020-02-07. Review status: criteria provided, single submitter. Criteria: Ambry Variant Classification Scheme 2023. Collection method: clinical testing. Allele origin: germline.

GeneDx
Classification: Likely benign. Last evaluated: 2019-04-09. Review status: criteria provided, single submitter. Criteria: GeneDx Variant Classification Process June 2021. Collection method: clinical testing. Allele origin: germline. Affected: yes.

Literature cited by the submitters: PubMed 17576681 (cited by Labcorp Genetics (formerly Invitae), Labcorp); PubMed 9536098 (cited by Labcorp Genetics (formerly Invitae), Labcorp).

NM_000051.4(ATM):c.2638+3A>G

Gene: ATM (ATM serine/threonine kinase; plus strand). Cytogenetic location: 11q22.3.
Variant type: single nucleotide variant.
Coding change: c.2638+3A>G on transcript NM_000051.4 (MANE Select); 3 bases into the intron after coding-DNA position 2638, A replaced by G.
Molecular consequence: intron variant.
Genome position (GRCh38, 1-based): chr11:108,267,345, A>G. VCF-style: chr11-108267345-A-G. GRCh37 (hg19) VCF-style: chr11-108138072-A-G.
Other names: c.2638+3A>G (NM_001351834.2).
Identifiers: ClinVar variation 233657 (VCV000233657.22), dbSNP rs876660552, ClinGen allele CA10579064.